The following is an entry in ClinVar:

NM_016006.6(ABHD5):c.798G>A (p.Met266Ile)

Gene: ABHD5 (abhydrolase domain containing 5, lysophosphatidic acid acyltransferase; plus strand). Cytogenetic location: 3p21.33.
Variant type: single nucleotide variant.
Coding change: c.798G>A on transcript NM_016006.6 (MANE Select); coding-DNA position 798, G replaced by A.
Protein change: p.Met266Ile; replaces methionine 266 with isoleucine.
Molecular consequence: missense variant. On other transcripts: non-coding transcript variant (1), intron variant (1).
Genome position (GRCh38, 1-based): chr3:43,717,695, G>A. VCF-style: chr3-43717695-G-A. GRCh37 (hg19) VCF-style: chr3-43759187-G-A.
Other names: c.798G>A, p.Met266Ile (NM_001355186.2); c.675G>A, p.Met225Ile (NM_001365649.1); c.774-748G>A (NM_001365650.1); short protein forms M266I, M225I.
Identifiers: ClinVar variation 1347667 (VCV001347667.6), dbSNP rs1030871913, ClinGen allele CA74393187.

ClinVar aggregate classification (germline): Uncertain significance (1 of 4 stars; one submission).

Allele frequency attached by ClinVar (database versions not stated): gnomAD exomes below 0.00001 and 0.00001; gnomAD 0.00001; TOPMed 0.00001.
gnomAD v4.1: 10 of 1,614,178 alleles (0.00062%); highest among the groups gnomAD compares: East Asian, 0.0022%; no homozygotes.

Submission:

Labcorp Genetics (formerly Invitae), Labcorp
Classification: Uncertain significance. Last evaluated: 2022-03-09. Review status: criteria provided, single submitter. Criteria: Invitae Variant Classification Sherloc (09022015). Collection method: clinical testing. Allele origin: germline.
Comment: This variant has not been reported in the literature in individuals affected with ABHD5-related conditions. This sequence change replaces methionine, which is neutral and non-polar, with isoleucine, which is neutral and non-polar, at codon 266 of the ABHD5 protein (p.Met266Ile). This variant is present in population databases (no rsID available, gnomAD 0.0009%). Algorithms developed to predict the effect of missense changes on protein structure and function are either unavailable or do not agree on the potential impact of this missense change (SIFT: "Deleterious"; PolyPhen-2: "Benign"; Align-GVGD: "Class C0"). In summary, the available evidence is currently insufficient to determine the role of this variant in disease. Therefore, it has been classified as a Variant of Uncertain Significance.